The following is an entry in ClinVar:

ClinVar aggregate classification (germline): Likely benign (1 of 4 stars; one submission).

Conditions:
Arrhythmogenic right ventricular cardiomyopathy (ARVD). Also called: Arrhythmogenic right ventricular dysplasia; Cardiomyopathy, ARVC; Arrhythmogenic cardiomyopathy; Arrhythmogenic Right Ventricular Cardiomyopathy (ARVC). Identifiers: Orphanet 247, MedGen C0349788, MeSH D019571, MONDO:0016587. Disease mechanism: loss of function. Inheritance: Various modes of inheritance.

Submission:

All of Us Research Program, National Institutes of Health
Classification: Likely benign for Arrhythmogenic right ventricular cardiomyopathy. Last evaluated: 2023-08-15. Review status: criteria provided, single submitter. Criteria: ACMG Guidelines, 2015. Collection method: clinical testing. Allele origin: germline. Inheritance: Autosomal dominant inheritance. Observed: 1 variant allele, 1 heterozygote.
Comment: This study involves interpretation of variants in research participants for the purpose of population health screening. Participant phenotype was not available at the time of variant classification. Additional details can be found in publication PMID: 35346344, PMCID: PMC8962531

NM_001943.5(DSG2):c.3303C>T (p.Thr1101=)

Genes: DSG2 (desmoglein 2; plus strand), DSG2-AS1 (DSG2 antisense RNA 1; minus strand). Cytogenetic location: 18q12.1.
Variant type: single nucleotide variant.
Coding change: c.3303C>T on transcript NM_001943.5 (MANE Select); coding-DNA position 3303, C replaced by T.
Protein change: p.Thr1101=; no amino-acid change (threonine 1101 retained).
Molecular consequence: synonymous variant.
Genome position (GRCh38, 1-based): chr18:31,546,689, C>T. VCF-style: chr18-31546689-C-T. GRCh37 (hg19) VCF-style: chr18-29126652-C-T.
Identifiers: ClinVar variation 3073017 (VCV003073017.1), dbSNP rs2510922897, ClinGen allele CA503767160.